The following is an entry in ClinVar:

NM_000719.7(CACNA1C):c.3912+14G>A

Gene: CACNA1C (calcium voltage-gated channel subunit alpha1 C; plus strand). Cytogenetic location: 12p13.33.
Variant type: single nucleotide variant.
Coding change: c.3912+14G>A on transcript NM_000719.7 (MANE Select); 14 bases into the intron after coding-DNA position 3912, G replaced by A.
Molecular consequence: intron variant.
Genome position (GRCh38, 1-based): chr12:2,634,394, G>A. VCF-style: chr12-2634394-G-A. GRCh37 (hg19) VCF-style: chr12-2743560-G-A.
Other names: c.3912+682G>A (NM_001167624.3, NM_001167623.2, NM_001129833.2 and 2 more transcripts); c.3912+14G>A (NM_001167625.2, NM_001129840.2, NM_001129829.2 and 7 more transcripts); c.4056+14G>A (NM_199460.4, NM_001129827.2); c.3972+14G>A (NM_001129832.2); c.3996+14G>A (NM_001129831.2, NM_001129836.2); c.3906+20G>A (NM_001129839.2); c.3903+682G>A (NM_001129844.2).
Identifiers: ClinVar variation 377607 (VCV000377607.13), dbSNP rs372728453, ClinGen allele CA6389370.

ClinVar aggregate classification (germline): Benign/Likely benign. Review status: criteria provided, multiple submitters, no conflicts (2 of 4 stars). 4 submissions from 4 submitters: Benign (1); Likely benign (3). Last evaluated 2026-01-27.

Conditions:
Long QT syndrome (LQTS). Identifiers: MedGen C0023976, MeSH D008133, MONDO:0002442. Disease mechanism: loss of function. Inheritance: Various modes of inheritance.

Allele frequency attached by ClinVar (database versions not stated): gnomAD 0.00002 and 0.00003; TOPMed 0.00003; ESP Exome Variant Server 0.00008; ExAC 0.00017.
gnomAD v4.1: 55 of 1,492,616 alleles (0.0037%); highest among the groups gnomAD compares: Middle Eastern, 0.17%; no homozygotes.

Submissions (4):

Labcorp Genetics (formerly Invitae), Labcorp
Classification: Likely benign for Long QT syndrome. Last evaluated: 2026-01-27. Review status: criteria provided, single submitter. Criteria: Invitae Variant Classification Sherloc (09022015). Collection method: clinical testing. Allele origin: germline.

ARUP Laboratories, Molecular Genetics and Genomics, ARUP Laboratories
Classification: Likely benign. Last evaluated: 2024-07-11. Review status: criteria provided, single submitter. Criteria: ARUP Molecular Germline Variant Investigation Process 2024. Collection method: clinical testing. Allele origin: germline.

Blueprint Genetics
Classification: Likely benign. Last evaluated: 2022-05-04. Review status: criteria provided, single submitter. Criteria: ACMG Guidelines, 2015. Collection method: clinical testing. Allele origin: germline.

GeneDx
Classification: Benign. Last evaluated: 2016-03-17. Review status: criteria provided, single submitter. Criteria: GeneDx Variant Classification (06012015). Collection method: clinical testing. Allele origin: germline. Affected: yes.
Comment: This variant is considered likely benign or benign based on one or more of the following criteria: it is a conservative change, it occurs at a poorly conserved position in the protein, it is predicted to be benign by multiple in silico algorithms, and/or has population frequency not consistent with disease.